The following is an entry in ClinVar:

ClinVar aggregate classification (germline): Likely benign. Review status: criteria provided, multiple submitters, no conflicts (2 of 4 stars). 3 submissions from 3 submitters: Likely benign (3). Last evaluated 2026-09-01.

Conditions:
Spastic paraplegia. Identifiers: MedGen C0037772, HP:0001258.
RTN2-related disorder. Also called: RTN2-related condition.

Allele frequency attached by ClinVar (database versions not stated): ExAC 0.00002; gnomAD exomes 0.00007; ESP Exome Variant Server 0.00008; gnomAD 0.00010 and 0.00011; TOPMed 0.00011.
gnomAD v4.1: 50 of 1,608,506 alleles (0.0031%); highest among the groups gnomAD compares: African/African-American, 0.031%; no homozygotes.

Submissions (3):

PreventionGenetics, part of Exact Sciences
Classification: Likely benign for RTN2-related condition. Last evaluated: 2026-09-01. Review status: criteria provided, single submitter. Criteria: ACMG Guidelines, 2015. Collection method: clinical testing. Allele origin: germline.
Comment: This variant is classified as likely benign based on ACMG/AMP sequence variant interpretation guidelines (Richards et al. 2015 PMID: 25741868, with internal and published modifications).

Labcorp Genetics (formerly Invitae), Labcorp
Classification: Likely benign for Spastic paraplegia. Last evaluated: 2024-06-24. Review status: criteria provided, single submitter. Criteria: Invitae Variant Classification Sherloc (09022015). Collection method: clinical testing. Allele origin: germline.

CeGaT Center for Human Genetics Tuebingen
Classification: Likely benign. Last evaluated: 2023-05-01. Review status: criteria provided, single submitter. Criteria: CeGaT Center For Human Genetics Tuebingen Variant Classification Criteria Version 2. Collection method: clinical testing. Allele origin: germline. Affected: yes. Observed: 1 variant allele.
Comment: RTN2: BP4

NM_005619.5(RTN2):c.560-7G>A

Genes: OPA3-RTN2 (OPA3-RTN2 readthrough; minus strand), RTN2 (reticulon 2; minus strand). Cytogenetic location: 19q13.32.
Variant type: single nucleotide variant.
Coding change: c.560-7G>A on transcript NM_005619.5 (MANE Select); 7 bases into the intron before coding-DNA position 560, G replaced by A.
Molecular consequence: intron variant.
Genome position (GRCh38, 1-based): chr19:45,494,427, C>T on the plus strand (G>A on the coding strand, the complement: RTN2 is on the minus strand). VCF-style: chr19-45494427-C-T. GRCh37 (hg19) VCF-style: chr19-45997685-C-T.
Other names: c.560-7G>A (NM_206900.3, NM_005619.4).
Identifiers: ClinVar variation 1130402 (VCV001130402.36), dbSNP rs370068938, ClinGen allele CA9516219.